The following is an entry in ClinVar:

ClinVar aggregate classification (germline): Pathogenic. Review status: criteria provided, multiple submitters, no conflicts (2 of 4 stars). 5 submissions from 5 submitters: Pathogenic (4). 1 of the submissions does not count toward it. Last evaluated 2025-04-01.

Conditions:
LAMA2-related muscular dystrophy (LAMA2-RD). Also called: Laminin alpha 2-related dystrophy. Identifiers: MedGen C5679788, MONDO:0100228.
Merosin deficient congenital muscular dystrophy (MDC1A). Also called: Congenital Muscular Dystrophy Type 1A (MDC1A); Congenital merosin-deficient muscular dystrophy 1A. Identifiers: Orphanet 258, MedGen C1263858, MONDO:0011925, OMIM 607855.

Allele frequency attached by ClinVar (database versions not stated): gnomAD 0.00001; ExAC 0.00002; TOPMed 0.00002; 1000 Genomes Project 30x 0.00016; 1000 Genomes Project 0.00020.
gnomAD v4.1: 7 of 1,601,082 alleles (0.00044%); highest among the groups gnomAD compares: Admixed American, 0.0067%; no homozygotes.

Submissions (5):

GeneDx
Classification: Pathogenic. Last evaluated: 2025-04-01. Review status: criteria provided, single submitter. Criteria: GeneDx Variant Classification Process June 2021. Collection method: clinical testing. Allele origin: germline. Affected: yes.
Comment: Identified with a second loss-of-function variant or large deletion either on the opposite allele (in trans) or phase unknown in multiple patients with muscular dystrophy in published literature (PMID: 18700894, 24611677); Nonsense variant predicted to result in protein truncation or nonsense mediated decay in a gene for which loss of function is a known mechanism of disease; Not observed at significant frequency in large population cohorts (gnomAD); This variant is associated with the following publications: (PMID: 25525159, 30301903, 31589614, 32266982, 24611677, 35731920, 34281576, 18700894, 38747280)

Baylor Genetics
Classification: Pathogenic for Merosin deficient congenital muscular dystrophy. Last evaluated: 2024-03-05. Review status: criteria provided, single submitter. Criteria: ACMG Guidelines, 2015. Collection method: clinical testing. Allele origin: unknown.

Labcorp Genetics (formerly Invitae), Labcorp
Classification: Pathogenic for LAMA2-related muscular dystrophy. Last evaluated: 2023-05-11. Review status: criteria provided, single submitter. Criteria: Invitae Variant Classification Sherloc (09022015). Collection method: clinical testing. Allele origin: germline.
Comment: This premature translational stop signal has been observed in individuals with congenital muscular dystrophy (PMID: 18700894, 24611677, 30055037, 30301903). It has also been observed to segregate with disease in related individuals. This variant is present in population databases (rs535635043, gnomAD 0.006%). This sequence change creates a premature translational stop signal (p.Tyr121*) in the LAMA2 gene. It is expected to result in an absent or disrupted protein product. Loss-of-function variants in LAMA2 are known to be pathogenic (PMID: 18700894, 32904964). For these reasons, this variant has been classified as Pathogenic. ClinVar contains an entry for this variant (Variation ID: 551699).

Revvity Omics, Revvity
Classification: Pathogenic. Last evaluated: 2021-09-30. Review status: criteria provided, single submitter. Criteria: ACMG Guidelines, 2015. Collection method: clinical testing. Allele origin: germline.

Counsyl
Classification: Pathogenic for Merosin deficient congenital muscular dystrophy. Last evaluated: 2017-05-01. Review status: no assertion criteria provided. Collection method: clinical testing. Allele origin: unknown. Not counted in ClinVar's aggregate classification.

Literature cited by the submitters: PubMed 18700894 (cited by Labcorp Genetics (formerly Invitae), Labcorp and Counsyl); PubMed 24611677 (cited by Labcorp Genetics (formerly Invitae), Labcorp and Counsyl); PubMed 30055037 (cited by Labcorp Genetics (formerly Invitae), Labcorp); PubMed 30301903 (cited by Labcorp Genetics (formerly Invitae), Labcorp); PubMed 32904964 (cited by Labcorp Genetics (formerly Invitae), Labcorp).

NM_000426.4(LAMA2):c.363C>A (p.Tyr121Ter)

Gene: LAMA2 (laminin subunit alpha 2; plus strand). Cytogenetic location: 6q22.33.
Variant type: single nucleotide variant.
Coding change: c.363C>A on transcript NM_000426.4 (MANE Select); coding-DNA position 363, C replaced by A.
Protein change: p.Tyr121Ter; replaces tyrosine 121 with a stop codon.
Molecular consequence: nonsense.
Genome position (GRCh38, 1-based): chr6:129,059,863, C>A. VCF-style: chr6-129059863-C-A. GRCh37 (hg19) VCF-style: chr6-129381008-C-A.
Other names: c.363C>A, p.Tyr121Ter (NM_001079823.2); short protein forms Y121*.
Identifiers: ClinVar variation 551699 (VCV000551699.19), dbSNP rs535635043, ClinGen allele CA3992299.